The following is an entry in ClinVar:

NM_001394372.1(BICRA):c.692G>C (p.Gly231Ala)

Gene: BICRA (BRD4 interacting chromatin remodeling complex associated protein; plus strand). Cytogenetic location: 19q13.33.
Variant type: single nucleotide variant.
Coding change: c.692G>C on transcript NM_001394372.1 (MANE Select); coding-DNA position 692, G replaced by C.
Protein change: p.Gly231Ala; replaces glycine 231 with alanine.
Molecular consequence: missense variant.
Genome position (GRCh38, 1-based): chr19:47,679,862, G>C. VCF-style: chr19-47679862-G-C. GRCh37 (hg19) VCF-style: chr19-48183119-G-C.
Other names: c.692G>C, p.Gly231Ala (NM_015711.3); short protein forms G231A.
Identifiers: ClinVar variation 2574298 (VCV002574298.1), dbSNP rs1278557758, ClinGen allele CA406610097.
Genomic context (GRCh38, chr19:47,679,862, plus strand): 5'-TCCCGGGCCTCCAAGGCCTGCCCAATGGCAGCCCTGGGGGTGCCACGGCGGCCACACTGG[G>C]CCTGGCGCCCATCCAGGTGGTGGGCCAGCCCGTCATGGCGCTCAACACGCCCACCTCCCA-3'
Protein context (NP_001381301.1, residues 221-241): SPGGATAATL[Gly231Ala]LAPIQVVGQP

ClinVar aggregate classification (germline): Uncertain significance (1 of 4 stars; one submission).

Submission:

GeneDx
Classification: Uncertain significance. Last evaluated: 2023-01-30. Review status: criteria provided, single submitter. Criteria: GeneDx Variant Classification Process June 2021. Collection method: clinical testing. Allele origin: germline. Affected: yes.
Comment: Not observed at significant frequency in large population cohorts (gnomAD); In silico analysis supports that this missense variant has a deleterious effect on protein structure/function; Has not been previously published as pathogenic or benign to our knowledge